The following is an entry in ClinVar:

NM_000388.4(CASR):c.110T>C (p.Leu37Pro)

Gene: CASR (calcium sensing receptor; plus strand). Cytogenetic location: 3q21.1.
Variant type: single nucleotide variant.
Coding change: c.110T>C on transcript NM_000388.4 (MANE Select); coding-DNA position 110, T replaced by C.
Protein change: p.Leu37Pro; replaces leucine 37 with proline.
Molecular consequence: missense variant.
Genome position (GRCh38, 1-based): chr3:122,254,299, T>C. VCF-style: chr3-122254299-T-C. GRCh37 (hg19) VCF-style: chr3-121973146-T-C.
Other names: c.110T>C, p.Leu37Pro (NM_001178065.2); short protein forms L37P.
Identifiers: ClinVar variation 2925355 (VCV002925355.3), dbSNP rs2473205484, ClinGen allele CA354362151.
Genomic context (GRCh38, chr3:122,254,299, plus strand): 5'-CCTCTGCCTACGGGCCAGACCAGCGAGCCCAAAAGAAGGGGGACATTATCCTTGGGGGGC[T>C]CTTTCCTATTCATTTTGGAGTAGCAGCTAAAGATCAAGATCTCAAATCAAGGCCGGAGTC-3'
Protein context (NP_000379.3, residues 27-47): QKKGDIILGG[Leu37Pro]FPIHFGVAAK

ClinVar aggregate classification (germline): Uncertain significance (1 of 4 stars; one submission).

Conditions:
Familial hypocalciuric hypercalcemia (FHH). Also called: Familial benign hypercalcemia. Identifiers: Orphanet 405, MedGen C1809471, MONDO:0018458.
Autosomal dominant hypocalcemia 1 (HYPOC1). Also called: HYPOCALCEMIA, FAMILIAL. Identifiers: MedGen C3715128, MONDO:0011013, OMIM 601198.

Submission:

Labcorp Genetics (formerly Invitae), Labcorp
Classification: Uncertain significance for Familial hypocalciuric hypercalcemia; Autosomal dominant hypocalcemia 1. Last evaluated: 2023-12-03. Review status: criteria provided, single submitter. Criteria: Invitae Variant Classification Sherloc (09022015). Collection method: clinical testing. Allele origin: germline.
Comment: This sequence change replaces leucine, which is neutral and non-polar, with proline, which is neutral and non-polar, at codon 37 of the CASR protein (p.Leu37Pro). This variant is not present in population databases (gnomAD no frequency). This missense change has been observed in individual(s) with familial hypocalciuric hypercalcemia (PMID: 26963950). An algorithm developed to predict the effect of missense changes on protein structure and function (PolyPhen-2) suggests that this variant is likely to be disruptive. In summary, the available evidence is currently insufficient to determine the role of this variant in disease. Therefore, it has been classified as a Variant of Uncertain Significance.

Literature cited by the submitters: PubMed 26963950.